The following is an entry in ClinVar:

ClinVar aggregate classification (germline): Uncertain significance (1 of 4 stars; one submission).

Conditions:
Common variable immunodeficiency (CVID). Also called: Common variable hypogamma-globulinemia; Common variable agammaglobulinemia. Identifiers: Orphanet 1572, MedGen C0009447, MONDO:0015517.

Allele frequency attached by ClinVar (database versions not stated): gnomAD exomes below 0.00001; gnomAD 0.00001.

Submission:

Labcorp Genetics (formerly Invitae), Labcorp
Classification: Uncertain significance for Common variable immunodeficiency. Last evaluated: 2025-09-24. Review status: criteria provided, single submitter. Criteria: Invitae Variant Classification Sherloc (09022015). Collection method: clinical testing. Allele origin: germline.
Comment: This sequence change replaces alanine, which is neutral and non-polar, with valine, which is neutral and non-polar, at codon 109 of the TNFSF12 protein (p.Ala109Val). This variant is present in population databases (no rsID available, gnomAD 0.0009%). This variant has not been reported in the literature in individuals affected with TNFSF12-related conditions. ClinVar contains an entry for this variant (Variation ID: 1414652). An algorithm developed to predict the effect of missense changes on protein structure and function (PolyPhen-2) suggests that this variant is likely to be disruptive. In summary, the available evidence is currently insufficient to determine the role of this variant in disease. Therefore, it has been classified as a Variant of Uncertain Significance.

NM_003809.3(TNFSF12):c.326C>T (p.Ala109Val)

Genes: TNFSF12 (TNF superfamily member 12; plus strand), TNFSF12-TNFSF13 (TNFSF12-TNFSF13 readthrough; plus strand). Cytogenetic location: 17p13.1.
Variant type: single nucleotide variant.
Coding change: c.326C>T on transcript NM_003809.3 (MANE Select); coding-DNA position 326, C replaced by T.
Protein change: p.Ala109Val; replaces alanine 109 with valine.
Molecular consequence: missense variant. On other transcripts: non-coding transcript variant (1).
Genome position (GRCh38, 1-based): chr17:7,550,841, C>T. VCF-style: chr17-7550841-C-T. GRCh37 (hg19) VCF-style: chr17-7454158-C-T.
Other names: c.326C>T, p.Ala109Val (NM_172089.4); short protein forms A109V.
Identifiers: ClinVar variation 1414652 (VCV001414652.8), dbSNP rs1207281513, ClinGen allele CA397857392.